The following is an entry in ClinVar:

NM_001379200.1(TBX1):c.632A>G (p.Lys211Arg)

Gene: TBX1 (T-box transcription factor 1; plus strand). Cytogenetic location: 22q11.21.
Variant type: single nucleotide variant.
Coding change: c.632A>G on transcript NM_001379200.1 (MANE Select); coding-DNA position 632, A replaced by G.
Protein change: p.Lys211Arg; replaces lysine 211 with arginine.
Molecular consequence: missense variant.
Genome position (GRCh38, 1-based): chr22:19,764,247, A>G. VCF-style: chr22-19764247-A-G. GRCh37 (hg19) VCF-style: chr22-19751770-A-G.
Other names: c.605A>G, p.Lys202Arg (NM_005992.1, NM_080646.2, NM_080647.1); short protein forms K202R, K211R.
Identifiers: ClinVar variation 1366999 (VCV001366999.5), dbSNP rs755518264, ClinGen allele CA10102506.

ClinVar aggregate classification (germline): Uncertain significance (1 of 4 stars; one submission).

Conditions:
DiGeorge syndrome. Also called: THIRD AND FOURTH PHARYNGEAL POUCH SYNDROME; Catch22. Identifiers: Orphanet 567, MedGen C0012236, MONDO:0008564, OMIM 188400.

Allele frequency attached by ClinVar (database versions not stated): gnomAD exomes below 0.00001 and 0.00001; ExAC 0.00001; TOPMed 0.00001.
gnomAD v4.1: 10 of 1,613,404 alleles (0.00062%); highest among the groups gnomAD compares: Admixed American, 0.0067%; no homozygotes.

Submission:

Labcorp Genetics (formerly Invitae), Labcorp
Classification: Uncertain significance for DiGeorge syndrome. Last evaluated: 2024-10-29. Review status: criteria provided, single submitter. Criteria: Invitae Variant Classification Sherloc (09022015). Collection method: clinical testing. Allele origin: germline.
Comment: This sequence change replaces lysine, which is basic and polar, with arginine, which is basic and polar, at codon 202 of the TBX1 protein (p.Lys202Arg). This variant is present in population databases (rs755518264, gnomAD 0.003%). This variant has not been reported in the literature in individuals affected with TBX1-related conditions. ClinVar contains an entry for this variant (Variation ID: 1366999). Invitae Evidence Modeling of protein sequence and biophysical properties (such as structural, functional, and spatial information, amino acid conservation, physicochemical variation, residue mobility, and thermodynamic stability) indicates that this missense variant is not expected to disrupt TBX1 protein function with a negative predictive value of 80%. In summary, the available evidence is currently insufficient to determine the role of this variant in disease. Therefore, it has been classified as a Variant of Uncertain Significance.